The following is an entry in ClinVar:

ClinVar aggregate classification (germline): Benign (0 of 4 stars; one submission).

Conditions:
CPZ-related disorder. Also called: CPZ-related condition.

Allele frequency attached by ClinVar (database versions not stated): gnomAD exomes 0.00075; ExAC 0.00491; gnomAD 0.00709; TOPMed 0.00769; 1000 Genomes Project 30x 0.00796; 1000 Genomes Project 0.00799; ESP Exome Variant Server 0.00870.
gnomAD v4.1: 2,157 of 1,520,010 alleles (0.14%); highest among the groups gnomAD compares: African/African-American, 2.4%; 32 homozygotes.

Submission:

PreventionGenetics, part of Exact Sciences
Classification: Benign for CPZ-related condition. Last evaluated: 2019-11-26. Review status: no assertion criteria provided. Collection method: clinical testing. Allele origin: germline.
Comment: This variant is classified as benign based on ACMG/AMP sequence variant interpretation guidelines (Richards et al. 2015 PMID: 25741868, with internal and published modifications).

NM_001014447.3(CPZ):c.462C>T (p.Asp154=)

Gene: CPZ (carboxypeptidase Z; plus strand). Cytogenetic location: 4p16.1.
Variant type: single nucleotide variant.
Coding change: c.462C>T on transcript NM_001014447.3 (MANE Select); coding-DNA position 462, C replaced by T.
Protein change: p.Asp154=; no amino-acid change (aspartic acid 154 retained).
Molecular consequence: synonymous variant.
Genome position (GRCh38, 1-based): chr4:8,601,463, C>T. VCF-style: chr4-8601463-C-T. GRCh37 (hg19) VCF-style: chr4-8603190-C-T.
Other names: c.51C>T, p.Asp17= (NM_001014448.3); c.429C>T, p.Asp143= (NM_003652.4).
Identifiers: ClinVar variation 3034032 (VCV003034032.2), dbSNP rs186014353, ClinGen allele CA2853165.
Genomic context (GRCh38, chr4:8,601,463, plus strand): 5'-CGCCATTGACATGGCCTGGCCCTACTTCCTTGACTGCCACCGCTACTTCACGAGAGAGGA[C>T]GAGGGCTGCTATGACCCGCTGGAGAAGCTTCGGGGTAAGGGAAAGTGGCGGGGGCCTGTG-3'
Protein context (NP_001014447.2, residues 144-164): LDCHRYFTRE[Asp154=]EGCYDPLEKL